The following is an entry in ClinVar:

NM_024675.4(PALB2):c.538G>A (p.Glu180Lys)

Gene: PALB2 (partner and localizer of BRCA2; minus strand). Cytogenetic location: 16p12.2.
Variant type: single nucleotide variant.
Coding change: c.538G>A on transcript NM_024675.4 (MANE Select); coding-DNA position 538, G replaced by A.
Protein change: p.Glu180Lys; replaces glutamic acid 180 with lysine.
Molecular consequence: missense variant.
Genome position (GRCh38, 1-based): chr16:23,636,008, C>T on the plus strand (G>A on the coding strand, the complement: PALB2 is on the minus strand). VCF-style: chr16-23636008-C-T. GRCh37 (hg19) VCF-style: chr16-23647329-C-T.
Other names: short protein forms E180K.
Identifiers: ClinVar variation 186268 (VCV000186268.22), dbSNP rs750782778, ClinGen allele CA194302.
Genomic context (GRCh38, chr16:23,636,008, plus strand): 5'-AAAGGTGAGTTCTTATTTCAGTTACTGGTGATCTAGCAGGATTTTTGCTACTGATTTCTT[C>T]CTGTTCCTTTAGTCTTTTCCCAGACAATCTGAGTGAATCAGTGCCAAAGACACAGTCTCT-3'
Protein context (NP_078951.2, residues 170-190): RLSGKRLKEQ[Glu180Lys]EISSKNPARS

ClinVar aggregate classification (germline): Uncertain significance. Review status: criteria provided, multiple submitters, no conflicts (2 of 4 stars). 5 submissions from 5 submitters: Uncertain significance (5). Last evaluated 2025-07-07.

Conditions:
Hereditary cancer-predisposing syndrome. Also called: Neoplastic Syndromes, Hereditary; Tumor predisposition; Hereditary Cancer Syndrome; Hereditary neoplastic syndrome. Identifiers: Orphanet 140162, MedGen C0027672, MeSH D009386, MONDO:0015356.
Familial cancer of breast. Also called: BREAST CANCER, FAMILIAL; Hereditary breast cancer; hereditary breast carcinoma. Identifiers: Orphanet 227535, MedGen C0346153, MONDO:0016419, OMIM 114480. Disease mechanism: loss of function.

Allele frequency attached by ClinVar (database versions not stated): gnomAD exomes below 0.00001 and 0.00001; ExAC 0.00001; gnomAD 0.00001; 1000 Genomes Project 30x 0.00016.
gnomAD v4.1: 5 of 1,614,096 alleles (0.00031%); highest among the groups gnomAD compares: Middle Eastern, 0.016%; no homozygotes.

Submissions (5):

Labcorp Genetics (formerly Invitae), Labcorp
Classification: Uncertain significance for Familial cancer of breast. Last evaluated: 2025-07-07. Review status: criteria provided, single submitter. Criteria: Invitae Variant Classification Sherloc (09022015). Collection method: clinical testing. Allele origin: germline.
Comment: This sequence change replaces glutamic acid, which is acidic and polar, with lysine, which is basic and polar, at codon 180 of the PALB2 protein (p.Glu180Lys). This variant is present in population databases (rs750782778, gnomAD 0.003%). This missense change has been observed in individual(s) with hereditary breast and/or ovarian cancer (PMID: 28828701). ClinVar contains an entry for this variant (Variation ID: 186268). An algorithm developed to predict the effect of missense changes on protein structure and function (PolyPhen-2) suggests that this variant is likely to be tolerated. In summary, the available evidence is currently insufficient to determine the role of this variant in disease. Therefore, it has been classified as a Variant of Uncertain Significance.

GeneDx
Classification: Uncertain significance. Last evaluated: 2024-03-27. Review status: criteria provided, single submitter. Criteria: GeneDx Variant Classification Process June 2021. Collection method: clinical testing. Allele origin: germline. Affected: yes.
Comment: Not observed at significant frequency in large population cohorts (gnomAD); In silico analysis supports that this missense variant does not alter protein structure/function; Observed in a high risk breast/ovarian cancer patient (PMID: 28828701); This variant is associated with the following publications: (PMID: 20871615, 19369211, 28828701)

Ambry Genetics
Classification: Uncertain significance for Hereditary cancer-predisposing syndrome. Last evaluated: 2023-11-09. Review status: criteria provided, single submitter. Criteria: Ambry Variant Classification Scheme 2023. Collection method: clinical testing. Allele origin: germline.
Comment: The p.E180K variant (also known as c.538G>A), located in coding exon 4 of the PALB2 gene, results from a G to A substitution at nucleotide position 538. The glutamic acid at codon 180 is replaced by lysine, an amino acid with similar properties. Specific details about her clinical history were not provided (Zidan J et al. Breast Cancer Res. Treat., 2017 Dec;166:881-885). This amino acid position is well conserved in available vertebrate species. In addition, this alteration is predicted to be tolerated by in silico analysis. Since supporting evidence is limited at this time, the clinical significance of this alteration remains unclear.

Mendelics
Classification: Uncertain significance for Familial cancer of breast. Last evaluated: 2019-05-28. Review status: criteria provided, single submitter. Criteria: Mendelics Assertion Criteria 2017. Collection method: clinical testing. Allele origin: unknown.

Color Diagnostics, LLC DBA Color Health
Classification: Uncertain significance for Hereditary cancer-predisposing syndrome. Last evaluated: 2018-12-13. Review status: criteria provided, single submitter. Criteria: ACMG Guidelines, 2015. Collection method: clinical testing. Allele origin: germline.

Literature cited by the submitters: PubMed 28828701 (cited by Labcorp Genetics (formerly Invitae), Labcorp and Ambry Genetics).